The following is an entry in ClinVar:

ClinVar aggregate classification (germline): Uncertain significance (1 of 4 stars; one submission).

Conditions:
Gastrointestinal stromal tumor. Also called: Gastrointestinal stromal tumor, somatic; Gastrointestinal stroma tumor. Identifiers: Orphanet 44890, MedGen C0238198, MeSH D046152, MONDO:0011719, OMIM 606764, HP:0100723.

Submission:

Labcorp Genetics (formerly Invitae), Labcorp
Classification: Uncertain significance for Gastrointestinal stromal tumor. Last evaluated: 2020-02-03. Review status: criteria provided, single submitter. Criteria: Invitae Variant Classification Sherloc (09022015). Collection method: clinical testing. Allele origin: germline.
Comment: Algorithms developed to predict the effect of missense changes on protein structure and function output the following: SIFT: "Tolerated"; PolyPhen-2: "Benign"; Align-GVGD: "Class C0". The threonine amino acid residue is found in multiple mammalian species, suggesting that this missense change does not adversely affect protein function. These predictions have not been confirmed by published functional studies and their clinical significance is uncertain. This variant has not been reported in the literature in individuals with PDGFRA-related conditions. This variant is not present in population databases (ExAC no frequency). This sequence change replaces alanine with threonine at codon 326 of the PDGFRA protein (p.Ala326Thr). The alanine residue is moderately conserved and there is a small physicochemical difference between alanine and threonine. In summary, the available evidence is currently insufficient to determine the role of this variant in disease. Therefore, it has been classified as a Variant of Uncertain Significance.

NM_006206.6(PDGFRA):c.976G>A (p.Ala326Thr)

Gene: PDGFRA (platelet derived growth factor receptor alpha; plus strand). Cytogenetic location: 4q12.
Variant type: single nucleotide variant.
Coding change: c.976G>A on transcript NM_006206.6 (MANE Select); coding-DNA position 976, G replaced by A.
Protein change: p.Ala326Thr; replaces alanine 326 with threonine.
Molecular consequence: missense variant.
Genome position (GRCh38, 1-based): chr4:54,267,596, G>A. VCF-style: chr4-54267596-G-A. GRCh37 (hg19) VCF-style: chr4-55133763-G-A.
Other names: c.976G>A, p.Ala326Thr (NM_001347827.2, NM_001347829.2); c.1051G>A, p.Ala351Thr (NM_001347828.2); c.1015G>A, p.Ala339Thr (NM_001347830.2); short protein forms A339T, A326T, A351T.
Identifiers: ClinVar variation 1038558 (VCV001038558.16), dbSNP rs1723110630, ClinGen allele CA356891531.